The following is an entry in ClinVar:

ClinVar aggregate classification (germline): Uncertain significance (1 of 4 stars; one submission).

Conditions:
Severe combined immunodeficiency due to DCLRE1C deficiency (RS-SCID). Also called: SCID, AUTOSOMAL RECESSIVE, T CELL-NEGATIVE, B CELL-NEGATIVE, NK CELL-POSITIVE, WITH SENSITIVITY TO IONIZING RADIATION. Identifiers: Orphanet 275, MedGen C1865371, MONDO:0011225, OMIM 602450.

Submission:

Labcorp Genetics (formerly Invitae), Labcorp
Classification: Uncertain significance for Athabaskan severe combined immunodeficiency. Last evaluated: 2021-10-13. Review status: criteria provided, single submitter. Criteria: Invitae Variant Classification Sherloc (09022015). Collection method: clinical testing. Allele origin: germline.
Comment: In summary, the available evidence is currently insufficient to determine the role of this variant in disease. Therefore, it has been classified as a Variant of Uncertain Significance. Algorithms developed to predict the effect of missense changes on protein structure and function are either unavailable or do not agree on the potential impact of this missense change (SIFT: "Tolerated"; PolyPhen-2: "Probably Damaging"; Align-GVGD: "Class C0"). This variant has not been reported in the literature in individuals affected with DCLRE1C-related conditions. This variant is not present in population databases (ExAC no frequency). This sequence change replaces glutamine with arginine at codon 535 of the DCLRE1C protein (p.Gln535Arg). The glutamine residue is moderately conserved and there is a small physicochemical difference between glutamine and arginine.

NM_001033855.3(DCLRE1C):c.1604A>G (p.Gln535Arg)

Gene: DCLRE1C (DNA cross-link repair 1C; minus strand). Cytogenetic location: 10p13.
Variant type: single nucleotide variant.
Coding change: c.1604A>G on transcript NM_001033855.3 (MANE Select); coding-DNA position 1604, A replaced by G.
Protein change: p.Gln535Arg; replaces glutamine 535 with arginine.
Molecular consequence: missense variant. On other transcripts: non-coding transcript variant (4).
Genome position (GRCh38, 1-based): chr10:14,908,883, T>C on the plus strand (A>G on the coding strand, the complement: DCLRE1C is on the minus strand). VCF-style: chr10-14908883-T-C. GRCh37 (hg19) VCF-style: chr10-14950882-T-C.
Other names: c.1244A>G, p.Gln415Arg (NM_001033857.3, NM_001033858.3, NM_001289077.2 and 2 more transcripts); c.1259A>G, p.Gln420Arg (NM_001289076.2, NM_001289078.2, NM_001350966.2 and 1 more transcripts); c.1604A>G, p.Gln535Arg (NM_001350965.2); short protein forms Q420R, Q535R, Q415R.
Identifiers: ClinVar variation 1486761 (VCV001486761.6), dbSNP rs887381468, ClinGen allele CA376075229.